The following is an entry in ClinVar:

NM_001291415.2(KDM6A):c.1039T>C (p.Leu347=)

Gene: KDM6A (lysine demethylase 6A; plus strand). Cytogenetic location: Xp11.3.
Variant type: single nucleotide variant.
Coding change: c.1039T>C on transcript NM_001291415.2 (MANE Select); coding-DNA position 1039, T replaced by C.
Protein change: p.Leu347=; no amino-acid change (leucine 347 retained).
Molecular consequence: synonymous variant. On other transcripts: non-coding transcript variant (1).
Genome position (GRCh38, 1-based): chrX:45,059,311, T>C. VCF-style: chrX-45059311-T-C. GRCh37 (hg19) VCF-style: chrX-44918556-T-C.
Other names: c.1039T>C, p.Leu347= (NM_001291416.2, NM_001291417.2, NM_001291418.2 and 9 more transcripts); c.286T>C, p.Leu96= (NM_001291421.2).
Identifiers: ClinVar variation 3061630 (VCV003061630.4), dbSNP rs2522764683, ClinGen allele CA516349483.

ClinVar aggregate classification (germline): Likely benign. Review status: criteria provided, single submitter (1 of 4 stars). 2 submissions from 2 submitters: Likely benign (1). 1 of the submissions does not count toward it. Last evaluated 2024-03-21.

Conditions:
KDM6A-related disorder. Also called: KDM6A-related condition.
Kabuki syndrome 2 (KABUK2). Also called: KDM6A-Related Kabuki Syndrome. Identifiers: Orphanet 2322, MedGen C3275495, MONDO:0010465, OMIM 300867.

Allele frequency attached by ClinVar (database versions not stated): gnomAD exomes below 0.00001.
gnomAD v4.1: 1 of 1,211,559 alleles (0.000083%); highest among the groups gnomAD compares: Non-Finnish European, 0.00011%; no homozygotes.

Submissions (2):

Labcorp Genetics (formerly Invitae), Labcorp
Classification: Likely benign for Kabuki syndrome 2. Last evaluated: 2024-03-21. Review status: criteria provided, single submitter. Criteria: Invitae Variant Classification Sherloc (09022015). Collection method: clinical testing. Allele origin: germline.

PreventionGenetics, part of Exact Sciences
Classification: Likely benign for KDM6A-related condition. Last evaluated: 2022-02-07. Review status: no assertion criteria provided. Collection method: clinical testing. Allele origin: germline. Not counted in ClinVar's aggregate classification.
Comment: This variant is classified as likely benign based on ACMG/AMP sequence variant interpretation guidelines (Richards et al. 2015 PMID: 25741868, with internal and published modifications).